The following is an entry in ClinVar:

ClinVar aggregate classification (germline): Uncertain significance (1 of 4 stars; one submission).

Conditions:
Inborn genetic diseases. Identifiers: MedGen C0950123, MeSH D030342.

Submission:

Ambry Genetics
Classification: Uncertain significance for Inborn genetic diseases. Last evaluated: 2025-01-11. Review status: criteria provided, single submitter. Criteria: Ambry Variant Classification Scheme 2023. Collection method: clinical testing. Allele origin: germline.
Comment: The p.S10A variant (also known as c.28T>G), located in coding exon 1 of the CEP57 gene, results from a T to G substitution at nucleotide position 28. The serine at codon 10 is replaced by alanine, an amino acid with similar properties. This amino acid position is conserved. In addition, this alteration is predicted to be tolerated by in silico analysis. Based on the available evidence, the clinical significance of this variant remains unclear.

NM_014679.5(CEP57):c.28T>G (p.Ser10Ala)

Genes: CEP57 (centrosomal protein 57; plus strand), LOC130006618 (ATAC-STARR-seq lymphoblastoid active region 5417; plus strand). Cytogenetic location: 11q21.
Variant type: single nucleotide variant.
Coding change: c.28T>G on transcript NM_014679.5 (MANE Select); coding-DNA position 28, T replaced by G.
Protein change: p.Ser10Ala; replaces serine 10 with alanine.
Molecular consequence: missense variant. On other transcripts: 5 prime UTR variant (2).
Genome position (GRCh38, 1-based): chr11:95,790,726, T>G. VCF-style: chr11-95790726-T-G. GRCh37 (hg19) VCF-style: chr11-95523890-T-G.
Other names: c.-44T>G (NM_001243776.2); c.28T>G, p.Ser10Ala (NM_001243777.2); c.-367T>G (NM_001363604.2); short protein forms S10A.
Identifiers: ClinVar variation 3831961 (VCV003831961.1).